The following is an entry in ClinVar:

NM_002047.4(GARS1):c.1359+1G>A

Gene: GARS1 (glycyl-tRNA synthetase 1; plus strand). Cytogenetic location: 7p14.3.
Variant type: single nucleotide variant.
Coding change: c.1359+1G>A on transcript NM_002047.4 (MANE Select); the canonical splice donor site of the intron after coding-DNA position 1359, G replaced by A.
Molecular consequence: splice donor variant.
Genome position (GRCh38, 1-based): chr7:30,617,279, G>A. VCF-style: chr7-30617279-G-A. GRCh37 (hg19) VCF-style: chr7-30656895-G-A.
Other names: c.1197+1G>A (NM_001316772.1).
Identifiers: ClinVar variation 245951 (VCV000245951.7), dbSNP rs868796615, ClinGen allele CA10584282.

ClinVar aggregate classification (germline): Conflicting classifications of pathogenicity. Review status: criteria provided, conflicting classifications (1 of 4 stars). 2 submissions from 2 submitters: Likely pathogenic (1); Uncertain significance (1). Last evaluated 2025-03-20.

Conditions:
Charcot-Marie-Tooth disease type 2. Also called: Charcot-Marie-Tooth type 2. Identifiers: Orphanet 64746, MedGen C0270914, MONDO:0018993.

Allele frequency attached by ClinVar (database versions not stated): gnomAD exomes 0.00001; TOPMed 0.00001; gnomAD 0.00001.
gnomAD v4.1: 12 of 1,613,560 alleles (0.00074%); highest among the groups gnomAD compares: Non-Finnish European, 0.00093%; no homozygotes.

Submissions (2):

GeneDx
Classification: Likely pathogenic. Last evaluated: 2025-03-20. Review status: criteria provided, single submitter. Criteria: GeneDx Variant Classification Process June 2021. Collection method: clinical testing. Allele origin: germline. Affected: yes.
Comment: Canonical splice site variant predicted to result in an in-frame loss of the adjacent exon in a gene for which loss of function is a known mechanism of disease; Not observed at significant frequency in large population cohorts (gnomAD); Has not been previously published as pathogenic or benign to our knowledge; This variant is associated with the following publications: (PMID: 25168514, 26138142, 26503042)

Labcorp Genetics (formerly Invitae), Labcorp
Classification: Uncertain significance for Charcot-Marie-Tooth disease type 2. Last evaluated: 2023-11-11. Review status: criteria provided, single submitter. Criteria: Invitae Variant Classification Sherloc (09022015). Collection method: clinical testing. Allele origin: germline.
Comment: This sequence change affects a donor splice site in intron 10 of the GARS gene. It is expected to disrupt RNA splicing. Variants that disrupt the donor or acceptor splice site typically lead to a loss of protein function (PMID: 16199547), however the current clinical and genetic evidence is not sufficient to establish whether loss-of-function variants in GARS cause disease. This variant is not present in population databases (gnomAD no frequency). This variant has not been reported in the literature in individuals affected with GARS-related conditions. ClinVar contains an entry for this variant (Variation ID: 245951). Algorithms developed to predict the effect of sequence changes on RNA splicing suggest that this variant may disrupt the consensus splice site. In summary, the available evidence is currently insufficient to determine the role of this variant in disease. Therefore, it has been classified as a Variant of Uncertain Significance.

Literature cited by the submitters: PubMed 16199547 (cited by Labcorp Genetics (formerly Invitae), Labcorp).